The following is an entry in ClinVar:

NM_001122955.4(BSCL2):c.1045C>T (p.Gln349Ter)

Genes: BSCL2 (BSCL2 lipid droplet biogenesis associated, seipin; minus strand), HNRNPUL2-BSCL2 (HNRNPUL2-BSCL2 readthrough (NMD candidate); minus strand). Cytogenetic location: 11q12.3.
Variant type: single nucleotide variant.
Coding change: c.1045C>T on transcript NM_001122955.4 (MANE Select); coding-DNA position 1045, C replaced by T.
Protein change: p.Gln349Ter; replaces glutamine 349 with a stop codon.
Molecular consequence: nonsense. On other transcripts: non-coding transcript variant (1), synonymous variant (1).
Genome position (GRCh38, 1-based): chr11:62,691,102, G>A on the plus strand (C>T on the coding strand, the complement: BSCL2 is on the minus strand). VCF-style: chr11-62691102-G-A. GRCh37 (hg19) VCF-style: chr11-62458574-G-A.
Other names: c.711C>T, p.Ser237= (NM_001130702.2); c.1045C>T, p.Gln349Ter (NM_001386027.1, NM_001386028.1); c.853C>T, p.Gln285Ter (NM_032667.6); short protein forms Q285*, Q349*.
Identifiers: ClinVar variation 4850656 (VCV004850656.1).

ClinVar aggregate classification (germline): Likely pathogenic (1 of 4 stars; one submission).

Conditions:
Severe neurodegenerative syndrome with lipodystrophy. Also called: ENCEPHALOPATHY, PROGRESSIVE, WITH LIPODYSTROPHY; Encephalopathy, progressive, with or without lipodystrophy. Identifiers: Orphanet 363400, MedGen C4014700, MONDO:0014402, OMIM 615924.
Congenital generalized lipodystrophy type 2 (CGL2). Also called: BERARDINELLI SYNDROME; BRUNZELL SYNDROME, BSCL2-RELATED; SEIP SYNDROME; Berardinelli-Seip Congenital Lipodystrophy Type 2. Identifiers: Orphanet 528, Orphanet 696289, MedGen C1720863, MONDO:0010020, OMIM 269700.

Submission:

First Genomix Gene Laboratory, Genetic Diagnostics Department
Classification: Likely pathogenic for Severe neurodegenerative syndrome with lipodystrophy; Congenital generalized lipodystrophy type 2. Last evaluated: 2025-07-30. Review status: criteria provided, single submitter. Criteria: ACMG Guidelines, 2015. Collection method: clinical testing. Allele origin: germline. Inheritance: Autosomal recessive inheritance. Affected: no. Observed: 1 variant allele.